The following is an entry in ClinVar:

ClinVar aggregate classification (germline): Uncertain significance. Review status: criteria provided, multiple submitters, no conflicts (2 of 4 stars). 2 submissions from 2 submitters: Uncertain significance (2). Last evaluated 2022-06-12.

Conditions:
Charcot-Marie-Tooth disease type 4. Also called: Charcot-Marie-Tooth disease, type IV; Charcot-Marie-Tooth, Type 4. Identifiers: Orphanet 64749, MedGen C4082197, MONDO:0018995.
Inborn genetic diseases. Identifiers: MedGen C0950123, MeSH D030342.

Allele frequency attached by ClinVar (database versions not stated): gnomAD 0.00001; TOPMed 0.00001; gnomAD exomes 0.00002; ExAC 0.00006.
gnomAD v4.1: 29 of 1,613,654 alleles (0.0018%); highest among the groups gnomAD compares: East Asian, 0.06%; no homozygotes.

Submissions (2):

Labcorp Genetics (formerly Invitae), Labcorp
Classification: Uncertain significance for Charcot-Marie-Tooth disease type 4. Last evaluated: 2022-06-12. Review status: criteria provided, single submitter. Criteria: Invitae Variant Classification Sherloc (09022015). Collection method: clinical testing. Allele origin: germline.
Comment: This sequence change replaces glutamic acid, which is acidic and polar, with glycine, which is neutral and non-polar, at codon 938 of the SBF2 protein (p.Glu938Gly). This variant is present in population databases (rs754241592, gnomAD 0.2%). This variant has not been reported in the literature in individuals affected with SBF2-related conditions. Algorithms developed to predict the effect of missense changes on protein structure and function are either unavailable or do not agree on the potential impact of this missense change (SIFT: "Tolerated"; PolyPhen-2: "Probably Damaging"; Align-GVGD: "Class C0"). In summary, the available evidence is currently insufficient to determine the role of this variant in disease. Therefore, it has been classified as a Variant of Uncertain Significance.

Ambry Genetics
Classification: Uncertain significance for Inborn genetic diseases. Last evaluated: 2021-11-09. Review status: criteria provided, single submitter. Criteria: Ambry Variant Classification Scheme 2023. Collection method: clinical testing. Allele origin: germline.
Comment: The p.E938G variant (also known as c.2813A>G), located in coding exon 23 of the SBF2 gene, results from an A to G substitution at nucleotide position 2813. The glutamic acid at codon 938 is replaced by glycine, an amino acid with similar properties. This amino acid position is conserved. In addition, this alteration is predicted to be deleterious by in silico analysis. Since supporting evidence is limited at this time, the clinical significance of this alteration remains unclear.

NM_030962.4(SBF2):c.2813A>G (p.Glu938Gly)

Genes: SBF2 (SET binding factor 2; minus strand), LOC101928008 (uncharacterized LOC101928008; plus strand). Cytogenetic location: 11p15.4.
Variant type: single nucleotide variant.
Coding change: c.2813A>G on transcript NM_030962.4 (MANE Select); coding-DNA position 2813, A replaced by G.
Protein change: p.Glu938Gly; replaces glutamic acid 938 with glycine.
Molecular consequence: missense variant.
Genome position (GRCh38, 1-based): chr11:9,847,077, T>C on the plus strand (A>G on the coding strand, the complement: SBF2 is on the minus strand). VCF-style: chr11-9847077-T-C. GRCh37 (hg19) VCF-style: chr11-9868624-T-C.
Other names: c.2813A>G, p.Glu938Gly (NM_001386339.1); c.2684A>G, p.Glu895Gly (NM_001386342.1); short protein forms E895G, E938G.
Identifiers: ClinVar variation 1796349 (VCV001796349.4), dbSNP rs754241592, ClinGen allele CA5881436.